The following is an entry in ClinVar:

ClinVar aggregate classification (germline): Likely benign (0 of 4 stars; one submission).

Conditions:
MYT1-related disorder. Also called: MYT1-related condition.

Submission:

PreventionGenetics, part of Exact Sciences
Classification: Likely benign for MYT1-related condition. Last evaluated: 2022-06-27. Review status: no assertion criteria provided. Collection method: clinical testing. Allele origin: germline.
Comment: This variant is classified as likely benign based on ACMG/AMP sequence variant interpretation guidelines (Richards et al. 2015 PMID: 25741868, with internal and published modifications).

NM_004535.3(MYT1):c.861GGA[3] (p.Glu306del)

Gene: MYT1 (myelin transcription factor 1; plus strand). Cytogenetic location: 20q13.33.
Variant type: Microsatellite.
Coding change: c.861GGA[3] on transcript NM_004535.3 (MANE Select); three copies in a row of the 3-base unit GGA starting at c.861; the reference has four copies in a row; one copy, 3 bases deleted.
Protein change: p.Glu306del; deletes glutamic acid 306.
Genome position (GRCh38, 1-based): chr20:64,208,066-64,208,068, GGA deleted; deleting any 3 consecutive bases within chr20:64,208,055-64,208,068 gives the same sequence; the position shown is the placement nearest the transcript's 3' end. VCF-style (leftmost placement, unchanged base first): chr20-64208054-AGAG-A. GRCh37 (hg19) VCF-style: chr20-62839407-AGAG-A.
Other names: short protein forms E306del.
Identifiers: ClinVar variation 3037550 (VCV003037550.2), dbSNP rs750624678, ClinGen allele CA9974706.